The following is an entry in ClinVar:

ClinVar aggregate classification (germline): Uncertain significance. Review status: criteria provided, multiple submitters, no conflicts (2 of 4 stars). 2 submissions from 2 submitters: Uncertain significance (2). Last evaluated 2026-05-14.

Conditions:
Familial cancer of breast. Also called: hereditary breast carcinoma; Hereditary breast cancer; BREAST CANCER, FAMILIAL. Identifiers: Orphanet 227535, MedGen C0346153, MONDO:0016419, OMIM 114480. Disease mechanism: loss of function.
Fanconi anemia complementation group J. Also called: BRIP1-Related Fanconi Anemia. Identifiers: Orphanet 84, MedGen C1836860, MONDO:0012187, OMIM 609054.
Hereditary cancer-predisposing syndrome. Also called: Tumor predisposition; Hereditary neoplastic syndrome; Neoplastic Syndromes, Hereditary; Hereditary Cancer Syndrome. Identifiers: Orphanet 140162, MedGen C0027672, MeSH D009386, MONDO:0015356.

Allele frequency attached by ClinVar (database versions not stated): gnomAD 0.00001.
gnomAD v4.1: 1 of 1,613,890 alleles (0.000062%); highest among the groups gnomAD compares: Admixed American, 0.0017%; no homozygotes.

Submissions (2):

Ambry Genetics
Classification: Uncertain significance for Hereditary cancer-predisposing syndrome. Last evaluated: 2026-05-14. Review status: criteria provided, single submitter. Criteria: Ambry Variant Classification Scheme 2023. Collection method: clinical testing. Allele origin: germline.
Comment: The p.D321E variant (also known as c.963T>A), located in coding exon 7 of the BRIP1 gene, results from a T to A substitution at nucleotide position 963. The aspartic acid at codon 321 is replaced by glutamic acid, an amino acid with highly similar properties. This amino acid position is conserved. In addition, this alteration is predicted to be tolerated by in silico analysis. Based on the available evidence, the clinical significance of this variant remains unclear.

Labcorp Genetics (formerly Invitae), Labcorp
Classification: Uncertain significance for Familial cancer of breast; Fanconi anemia complementation group J. Last evaluated: 2025-11-10. Review status: criteria provided, single submitter. Criteria: Invitae Variant Classification Sherloc (09022015). Collection method: clinical testing. Allele origin: germline.
Comment: This sequence change replaces aspartic acid, which is acidic and polar, with glutamic acid, which is acidic and polar, at codon 321 of the BRIP1 protein (p.Asp321Glu). This variant is not present in population databases (gnomAD no frequency). This variant has not been reported in the literature in individuals affected with BRIP1-related conditions. ClinVar contains an entry for this variant (Variation ID: 530286). Invitae Evidence Modeling of protein sequence and biophysical properties (such as structural, functional, and spatial information, amino acid conservation, physicochemical variation, residue mobility, and thermodynamic stability) indicates that this missense variant is not expected to disrupt BRIP1 protein function with a negative predictive value of 95%. In summary, the available evidence is currently insufficient to determine the role of this variant in disease. Therefore, it has been classified as a Variant of Uncertain Significance.

NM_032043.3(BRIP1):c.963T>A (p.Asp321Glu)

Gene: BRIP1 (BRCA1 interacting DNA helicase 1; minus strand). Cytogenetic location: 17q23.2.
Variant type: single nucleotide variant.
Coding change: c.963T>A on transcript NM_032043.3 (MANE Select); coding-DNA position 963, T replaced by A.
Protein change: p.Asp321Glu; replaces aspartic acid 321 with glutamic acid.
Molecular consequence: missense variant.
Genome position (GRCh38, 1-based): chr17:61,801,430, A>T on the plus strand (T>A on the coding strand, the complement: BRIP1 is on the minus strand). VCF-style: chr17-61801430-A-T. GRCh37 (hg19) VCF-style: chr17-59878791-A-T.
Other names: short protein forms D321E.
Identifiers: ClinVar variation 530286 (VCV000530286.10), dbSNP rs1555607779, ClinGen allele CA400484227.
Genomic context (GRCh38, chr17:61,801,430, plus strand): 5'-GACAAGTTCTTCTATATCCCAGGCTTTGCACATCCCTTGGAAAGTCTGTAATGTGTGCTG[A>T]TCACTAATTTTATGAACTCCATGATAAAAATAGCAGGATTTTCCCTAGAAACAAATATGC-3'
Protein context (NP_114432.2, residues 311-331): YFYHGVHKIS[Asp321Glu]QHTLQTFQGM